The following is an entry in ClinVar:

NM_001080467.3(MYO5B):c.2357G>A (p.Arg786Lys)

Gene: MYO5B (myosin VB; minus strand). Cytogenetic location: 18q21.1.
Variant type: single nucleotide variant.
Coding change: c.2357G>A on transcript NM_001080467.3 (MANE Select); coding-DNA position 2357, G replaced by A.
Protein change: p.Arg786Lys; replaces arginine 786 with lysine.
Molecular consequence: missense variant.
Genome position (GRCh38, 1-based): chr18:49,906,476, C>T on the plus strand (G>A on the coding strand, the complement: MYO5B is on the minus strand). VCF-style: chr18-49906476-C-T. GRCh37 (hg19) VCF-style: chr18-47432846-C-T.
Other names: short protein forms R786K.
Identifiers: ClinVar variation 1475355 (VCV001475355.6), dbSNP rs2144150553, ClinGen allele CA402436243.

ClinVar aggregate classification (germline): Uncertain significance (1 of 4 stars; one submission).

Allele frequency attached by ClinVar (database versions not stated): gnomAD exomes below 0.00001.
gnomAD v4.1: 2 of 1,614,210 alleles (0.00012%); highest among the groups gnomAD compares: Non-Finnish European, 0.00017%; no homozygotes.

Submission:

Labcorp Genetics (formerly Invitae), Labcorp
Classification: Uncertain significance. Last evaluated: 2022-02-10. Review status: criteria provided, single submitter. Criteria: Invitae Variant Classification Sherloc (09022015). Collection method: clinical testing. Allele origin: germline.
Comment: This variant has not been reported in the literature in individuals affected with MYO5B-related conditions. In summary, the available evidence is currently insufficient to determine the role of this variant in disease. Therefore, it has been classified as a Variant of Uncertain Significance. Algorithms developed to predict the effect of missense changes on protein structure and function (SIFT, PolyPhen-2, Align-GVGD) all suggest that this variant is likely to be tolerated. This variant is not present in population databases (gnomAD no frequency). This sequence change replaces arginine, which is basic and polar, with lysine, which is basic and polar, at codon 786 of the MYO5B protein (p.Arg786Lys).